The following is an entry in ClinVar:

ClinVar aggregate classification (germline): Likely pathogenic (1 of 4 stars; one submission).

Submission:

Labcorp Genetics (formerly Invitae), Labcorp
Classification: Likely pathogenic. Last evaluated: 2023-11-25. Review status: criteria provided, single submitter. Criteria: Invitae Variant Classification Sherloc (09022015). Collection method: clinical testing. Allele origin: germline.
Comment: This sequence change replaces proline, which is neutral and non-polar, with glutamine, which is neutral and polar, at codon 309 of the ABCA4 protein (p.Pro309Gln). This variant is not present in population databases (gnomAD no frequency). This variant has not been reported in the literature in individuals affected with ABCA4-related conditions. Advanced modeling of protein sequence and biophysical properties (such as structural, functional, and spatial information, amino acid conservation, physicochemical variation, residue mobility, and thermodynamic stability) performed at Invitae indicates that this missense variant is expected to disrupt ABCA4 protein function with a positive predictive value of 95%. This variant disrupts the p.Pro309 amino acid residue in ABCA4. Other variant(s) that disrupt this residue have been determined to be pathogenic (PMID: 25066811; Invitae). This suggests that this residue is clinically significant, and that variants that disrupt this residue are likely to be disease-causing. In summary, the currently available evidence indicates that the variant is pathogenic, but additional data are needed to prove that conclusively. Therefore, this variant has been classified as Likely Pathogenic.

Literature cited by the submitters: PubMed 25066811.

NM_000350.3(ABCA4):c.926C>A (p.Pro309Gln)

Gene: ABCA4 (ATP binding cassette subfamily A member 4; minus strand). Cytogenetic location: 1p22.1.
Variant type: single nucleotide variant.
Coding change: c.926C>A on transcript NM_000350.3 (MANE Select); coding-DNA position 926, C replaced by A.
Protein change: p.Pro309Gln; replaces proline 309 with glutamine.
Molecular consequence: missense variant.
Genome position (GRCh38, 1-based): chr1:94,080,651, G>T on the plus strand (C>A on the coding strand, the complement: ABCA4 is on the minus strand). VCF-style: chr1-94080651-G-T. GRCh37 (hg19) VCF-style: chr1-94546207-G-T.
Other names: c.926C>A, p.Pro309Gln (NM_001425324.1); short protein forms P309Q.
Identifiers: ClinVar variation 2698883 (VCV002698883.3), dbSNP rs61748545, ClinGen allele CA341284396.